The following is an entry in ClinVar:

NM_004655.4(AXIN2):c.1894C>T (p.Pro632Ser)

Gene: AXIN2 (axin 2; minus strand). Cytogenetic location: 17q24.1.
Variant type: single nucleotide variant.
Coding change: c.1894C>T on transcript NM_004655.4 (MANE Select); coding-DNA position 1894, C replaced by T.
Protein change: p.Pro632Ser; replaces proline 632 with serine.
Molecular consequence: missense variant. On other transcripts: intron variant (1).
Genome position (GRCh38, 1-based): chr17:65,536,882, G>A on the plus strand (C>T on the coding strand, the complement: AXIN2 is on the minus strand). VCF-style: chr17-65536882-G-A. GRCh37 (hg19) VCF-style: chr17-63533000-G-A.
Other names: c.1713-329C>T (NM_001363813.1); short protein forms P632S.
Identifiers: ClinVar variation 1921896 (VCV001921896.8), dbSNP rs2144448300, ClinGen allele CA400676395.
Genomic context (GRCh38, chr17:65,536,882, plus strand): 5'-GAGTGCCCATGACCCTCGCGGCCGCGGCGGCGGCAAGCGGTGTTTACCTATGGGGCTTGG[G>A]CTTGCTCTGCCGCTCACTCTCCAGCATCCACTGCCAGACATCCTGCGACCTGTCTCCTTC-3'
Protein context (NP_004646.3, residues 622-642): WMLESERQSK[Pro632Ser]KPHSAQSTKK

ClinVar aggregate classification (germline): Uncertain significance. Review status: criteria provided, multiple submitters, no conflicts (2 of 4 stars). 3 submissions from 3 submitters: Uncertain significance (3). Last evaluated 2023-08-10.

Conditions:
Colorectal cancer. Also called: Malignant Colorectal Neoplasm; Colorectal cancer, somatic. Identifiers: MedGen C0346629, MONDO:0005575, OMIM 114500.
Hereditary cancer-predisposing syndrome. Also called: Hereditary Cancer Syndrome; Hereditary neoplastic syndrome; Neoplastic Syndromes, Hereditary; Tumor predisposition. Identifiers: Orphanet 140162, MedGen C0027672, MeSH D009386, MONDO:0015356.
Oligodontia-cancer predisposition syndrome. Also called: TOOTH AGENESIS-COLORECTAL CANCER SYNDROME. Identifiers: Orphanet 300576, MedGen C1837750, MONDO:0012075, OMIM 608615. Disease mechanism: loss of function.

gnomAD v4.1: 2 of 1,613,314 alleles (0.00012%); highest among the groups gnomAD compares: Non-Finnish European, 0.000085%; no homozygotes.

Submissions (3):

Baylor Genetics
Classification: Uncertain significance for Colorectal cancer. Last evaluated: 2023-08-10. Review status: criteria provided, single submitter. Criteria: ACMG Guidelines, 2015. Collection method: clinical testing. Allele origin: unknown.

Ambry Genetics
Classification: Uncertain significance for Hereditary cancer-predisposing syndrome. Last evaluated: 2023-05-02. Review status: criteria provided, single submitter. Criteria: Ambry Variant Classification Scheme 2023. Collection method: clinical testing. Allele origin: germline.
Comment: The p.P632S variant (also known as c.1894C>T), located in coding exon 6 of the AXIN2 gene, results from a C to T substitution at nucleotide position 1894. The proline at codon 632 is replaced by serine, an amino acid with similar properties. This amino acid position is conserved. In addition, this alteration is predicted to be tolerated by in silico analysis. Since supporting evidence is limited at this time, the clinical significance of this alteration remains unclear.

Labcorp Genetics (formerly Invitae), Labcorp
Classification: Uncertain significance for Oligodontia-cancer predisposition syndrome. Last evaluated: 2022-07-02. Review status: criteria provided, single submitter. Criteria: Invitae Variant Classification Sherloc (09022015). Collection method: clinical testing. Allele origin: germline.
Comment: In summary, the available evidence is currently insufficient to determine the role of this variant in disease. Therefore, it has been classified as a Variant of Uncertain Significance. Algorithms developed to predict the effect of missense changes on protein structure and function output the following: SIFT: "Tolerated"; PolyPhen-2: "Benign"; Align-GVGD: "Class C0". The serine amino acid residue is found in multiple mammalian species, which suggests that this missense change does not adversely affect protein function. This variant has not been reported in the literature in individuals affected with AXIN2-related conditions. This variant is not present in population databases (gnomAD no frequency). This sequence change replaces proline, which is neutral and non-polar, with serine, which is neutral and polar, at codon 632 of the AXIN2 protein (p.Pro632Ser).